The following is an entry in ClinVar:

ClinVar aggregate classification (germline): Uncertain significance. Review status: criteria provided, multiple submitters, no conflicts (2 of 4 stars). 2 submissions from 2 submitters: Uncertain significance (2). Last evaluated 2025-03-31.

Allele frequency attached by ClinVar (database versions not stated): gnomAD 0.00001; TOPMed 0.00001; gnomAD exomes 0.00005; ExAC 0.00008.
gnomAD v4.1: 62 of 1,613,572 alleles (0.0038%); highest among the groups gnomAD compares: South Asian, 0.049%; no homozygotes.

Submissions (2):

Labcorp Genetics (formerly Invitae), Labcorp
Classification: Uncertain significance. Last evaluated: 2025-03-31. Review status: criteria provided, single submitter. Criteria: Invitae Variant Classification Sherloc (09022015). Collection method: clinical testing. Allele origin: germline.
Comment: This sequence change replaces proline, which is neutral and non-polar, with leucine, which is neutral and non-polar, at codon 264 of the ADAMTS18 protein (p.Pro264Leu). This variant is present in population databases (rs768889644, gnomAD 0.04%). This variant has not been reported in the literature in individuals affected with ADAMTS18-related conditions. ClinVar contains an entry for this variant (Variation ID: 1007919). An algorithm developed to predict the effect of missense changes on protein structure and function (PolyPhen-2) suggests that this variant is likely to be tolerated. In summary, the available evidence is currently insufficient to determine the role of this variant in disease. Therefore, it has been classified as a Variant of Uncertain Significance.

Blueprint Genetics
Classification: Uncertain significance. Last evaluated: 2024-05-13. Review status: criteria provided, single submitter. Criteria: ACMG Guidelines, 2015. Collection method: clinical testing. Allele origin: germline.

NM_199355.4(ADAMTS18):c.791C>T (p.Pro264Leu)

Gene: ADAMTS18 (ADAM metallopeptidase with thrombospondin type 1 motif 18; minus strand). Cytogenetic location: 16q23.1.
Variant type: single nucleotide variant.
Coding change: c.791C>T on transcript NM_199355.4 (MANE Select); coding-DNA position 791, C replaced by T.
Protein change: p.Pro264Leu; replaces proline 264 with leucine.
Molecular consequence: missense variant.
Genome position (GRCh38, 1-based): chr16:77,364,369, G>A on the plus strand (C>T on the coding strand, the complement: ADAMTS18 is on the minus strand). VCF-style: chr16-77364369-G-A. GRCh37 (hg19) VCF-style: chr16-77398266-G-A.
Other names: c.275C>T, p.Pro92Leu (NM_001326358.2); short protein forms P264L, P92L.
Identifiers: ClinVar variation 1007919 (VCV001007919.11), dbSNP rs768889644, ClinGen allele CA8181539.